The following is an entry in ClinVar:

ClinVar aggregate classification (germline): Uncertain significance (1 of 4 stars; one submission).

Conditions:
Hypertrophic cardiomyopathy. Also called: HYPERTROPHIC MYOCARDIOPATHY. Identifiers: Orphanet 217569, MedGen C0007194, MeSH D002312, MONDO:0005045, HP:0001639.

Submission:

Labcorp Genetics (formerly Invitae), Labcorp
Classification: Uncertain significance for Hypertrophic cardiomyopathy. Last evaluated: 2018-07-18. Review status: criteria provided, single submitter. Criteria: Invitae Variant Classification Sherloc (09022015). Collection method: clinical testing. Allele origin: germline.
Comment: This sequence change results in a premature translational stop signal in the TNNI3 gene (p.Ala163Leufs*14). While this is not anticipated to result in nonsense mediated decay, it is expected to disrupt the last 48 amino acids of the TNNI3 protein. The current clinical and genetic evidence is not sufficient to establish whether loss-of-function variants in TNNI3 cause disease. Experimental studies and prediction algorithms are not available for this variant, and the functional significance of the disrupted amino acids is currently unknown. In summary, the available evidence is currently insufficient to determine the role of this variant in disease. Therefore, it has been classified as a Variant of Uncertain Significance. This variant has not been reported in the literature in individuals with TNNI3-related disease. This variant is not present in population databases (ExAC no frequency).

NM_000363.5(TNNI3):c.487del (p.Ala163fs)

Gene: TNNI3 (troponin I3, cardiac type; minus strand). Cytogenetic location: 19q13.42.
Variant type: Deletion.
Coding change: c.487del on transcript NM_000363.5 (MANE Select); coding-DNA position 487, one base deleted (G; older notation c.487delG).
Protein change: p.Ala163fs; shifts the reading frame from alanine 163.
Molecular consequence: frameshift variant.
Genome position (GRCh38, 1-based): chr19:55,154,092, C deleted on the plus strand (G on the coding strand, the reverse complement: TNNI3 is on the minus strand); the first of 3 consecutive C bases (chr19:55,154,092-55,154,094); deleting any one gives the same sequence. VCF-style (leftmost placement, unchanged base first): chr19-55154091-GC-G. GRCh37 (hg19) VCF-style: chr19-55665459-GC-G.
Other names: c.487delG (NM_000363.4); short protein forms A163fs.
Identifiers: ClinVar variation 664137 (VCV000664137.8), dbSNP rs1599909151, ClinGen allele CA915953049.